The following is an entry in ClinVar:

NM_001351661.2(MACROD2):c.1163A>T (p.Glu388Val)

Gene: MACROD2 (mono-ADP ribosylhydrolase 2; plus strand). Cytogenetic location: 20p12.1.
Variant type: single nucleotide variant.
Coding change: c.1163A>T on transcript NM_001351661.2 (MANE Select); coding-DNA position 1163, A replaced by T.
Protein change: p.Glu388Val; replaces glutamic acid 388 with valine.
Molecular consequence: missense variant.
Genome position (GRCh38, 1-based): chr20:16,041,210, A>T. VCF-style: chr20-16041210-A-T. GRCh37 (hg19) VCF-style: chr20-16021855-A-T.
Other names: c.458A>T, p.Glu153Val (NM_001033087.2); c.1163A>T, p.Glu388Val (NM_001351663.2, NM_080676.6); c.539A>T, p.Glu180Val (NM_001351664.2); c.1163A>T (NM_001351661.1); short protein forms E153V, E180V, E388V.
Identifiers: ClinVar variation 777517 (VCV000777517.7), dbSNP rs114484322, ClinGen allele CA9769555.
Genomic context (GRCh38, chr20:16,041,210, plus strand): 5'-GGCTGTTATAATTCTCTATTCATCAGGGACTGTGGTCTTTTTCTCTTCCAGCTCCAGGCG[A>T]GGACACACCTAGGATGCCTGGGAAAAGTGAAGGCTCCAGTGACCTAGAAAATACTCCAGG-3'
Protein context (NP_001338590.1, residues 378-398): EEKEGEKAPG[Glu388Val]DTPRMPGKSE

ClinVar aggregate classification (germline): Benign. Review status: criteria provided, multiple submitters, no conflicts (2 of 4 stars). 3 submissions from 3 submitters: Benign (2). 1 of the submissions does not count toward it. Last evaluated 2019-12-31.

Conditions:
MACROD2-related disorder. Also called: MACROD2-related condition.

Allele frequency attached by ClinVar (database versions not stated): gnomAD exomes 0.00062 and 0.00186; ExAC 0.00246; gnomAD 0.00692 and 0.00739; TOPMed 0.00756; 1000 Genomes Project 0.00779; ESP Exome Variant Server 0.00884; 1000 Genomes Project 30x 0.00890.
gnomAD v4.1: 1,971 of 1,611,652 alleles (0.12%); highest among the groups gnomAD compares: African/African-American, 2.4%; 33 homozygotes.

Submissions (3):

Labcorp Genetics (formerly Invitae), Labcorp
Classification: Benign. Last evaluated: 2019-12-31. Review status: criteria provided, single submitter. Criteria: Invitae Variant Classification Sherloc (09022015). Collection method: clinical testing. Allele origin: germline.

Breakthrough Genomics
Classification: Benign. Review status: criteria provided, single submitter. Criteria: ACMG Guidelines, 2015. Collection method: not provided. Allele origin: germline. Inheritance: Unknown mechanism. Affected: yes.

PreventionGenetics, part of Exact Sciences
Classification: Benign for MACROD2-related condition. Last evaluated: 2019-10-28. Review status: no assertion criteria provided. Collection method: clinical testing. Allele origin: germline. Not counted in ClinVar's aggregate classification.
Comment: This variant is classified as benign based on ACMG/AMP sequence variant interpretation guidelines (Richards et al. 2015 PMID: 25741868, with internal and published modifications).